The following is an entry in ClinVar:

ClinVar aggregate classification (germline): Uncertain significance (1 of 4 stars; one submission).

Allele frequency attached by ClinVar (database versions not stated): TOPMed below 0.00001.

Submission:

Labcorp Genetics (formerly Invitae), Labcorp
Classification: Uncertain significance. Last evaluated: 2025-04-20. Review status: criteria provided, single submitter. Criteria: Invitae Variant Classification Sherloc (09022015). Collection method: clinical testing. Allele origin: germline.
Comment: This sequence change replaces aspartic acid, which is acidic and polar, with tyrosine, which is neutral and polar, at codon 1481 of the DMXL2 protein (p.Asp1481Tyr). This variant is not present in population databases (gnomAD no frequency). This variant has not been reported in the literature in individuals affected with DMXL2-related conditions. ClinVar contains an entry for this variant (Variation ID: 1978146). An algorithm developed to predict the effect of missense changes on protein structure and function (PolyPhen-2) suggests that this variant is likely to be disruptive. In summary, the available evidence is currently insufficient to determine the role of this variant in disease. Therefore, it has been classified as a Variant of Uncertain Significance.

NM_001378457.1(DMXL2):c.4441G>T (p.Asp1481Tyr)

Gene: DMXL2 (Dmx like 2; minus strand). Cytogenetic location: 15q21.2.
Variant type: single nucleotide variant.
Coding change: c.4441G>T on transcript NM_001378457.1 (MANE Select); coding-DNA position 4441, G replaced by T.
Protein change: p.Asp1481Tyr; replaces aspartic acid 1481 with tyrosine.
Molecular consequence: missense variant. On other transcripts: non-coding transcript variant (2), intron variant (2).
Genome position (GRCh38, 1-based): chr15:51,498,783, C>A on the plus strand (G>T on the coding strand, the complement: DMXL2 is on the minus strand). VCF-style: chr15-51498783-C-A. GRCh37 (hg19) VCF-style: chr15-51790980-C-A.
Other names: c.4441G>T, p.Asp1481Tyr (NM_001174116.3, NM_001378458.1, NM_001378459.1 and 4 more transcripts); c.4201G>T, p.Asp1401Tyr (NM_001378464.1); c.2765-7036G>T (NM_001378460.1); c.2765-3649G>T (NM_001174117.3); short protein forms D1481Y, D1401Y.
Identifiers: ClinVar variation 1978146 (VCV001978146.5), dbSNP rs2043366644, ClinGen allele CA392431906.
Genomic context (GRCh38, chr15:51,498,783, plus strand): 5'-ATTGAGAAAGATTTATTACTTTTGATTTGTTTTCTCTCTTTTCAGGCTCTAAATCAATAT[C>A]ATCCGTTGGTATATCCTGGATTTGAAACAGCTCTGAATACTGATCCTCTGGTTGACTTAC-3'
Protein context (NP_001365386.1, residues 1471-1491): LFQIQDIPTD[Asp1481Tyr]IDLEPEKREN